The following is an entry in ClinVar:

ClinVar aggregate classification (germline): Uncertain significance (1 of 4 stars; one submission).

Conditions:
Ataxia-telangiectasia syndrome (AT). Also called: Ataxia telangiectasia (A-T); LOUIS-BAR SYNDROME; Cerebello-oculocutaneous telangiectasia; Immunodeficiency with ataxia telangiectasia; ATAXIA-TELANGIECTASIA, COMPLEMENTATION GROUP A; ATAXIA-TELANGIECTASIA, FRESNO VARIANT. Identifiers: Orphanet 100, MedGen C0004135, MONDO:0008840, OMIM 208900.

gnomAD v4.1: 1 of 1,613,592 alleles (0.000062%); highest among the groups gnomAD compares: Non-Finnish European, 0.000085%; no homozygotes.

Submission:

Labcorp Genetics (formerly Invitae), Labcorp
Classification: Uncertain significance for Ataxia-telangiectasia syndrome. Last evaluated: 2015-12-19. Review status: criteria provided, single submitter. Criteria: Invitae Variant Classification Sherloc (09022015). Collection method: clinical testing. Allele origin: germline.
Comment: This sequence change replaces lysine with arginine at codon 106 of the ATM protein (p.Lys106Arg). The lysine residue is weakly conserved and there is a small physicochemical difference between lysine and arginine. Algorithms developed to predict the effect of nucleotide changes on mRNA splicing suggest that this variant may alter mRNA splicing, but this prediction has not been confirmed by published transcriptional studies. In summary, this is a novel missense change with uncertain impact mRNA splicing and protein function. It has been classified as a Variant of Uncertain Significance. Algorithms developed to predict the effect of missense changes on protein structure and function (SIFT, PolyPhen-2, Align-GVGD) all suggest that this variant is likely to be tolerated. A lysine is also found at this position in multiple mammalian species indicating this missense change does not adversely affect protein function. These predictions have not been confirmed by published functional studies. This variant is not present in population databases (ExAC no frequency) and has not been reported in the literature in individuals with a ATM-related disease.

NM_000051.4(ATM):c.317A>G (p.Lys106Arg)

Gene: ATM (ATM serine/threonine kinase; plus strand). Cytogenetic location: 11q22.3.
Variant type: single nucleotide variant.
Coding change: c.317A>G on transcript NM_000051.4 (MANE Select); coding-DNA position 317, A replaced by G.
Protein change: p.Lys106Arg; replaces lysine 106 with arginine.
Molecular consequence: missense variant.
Genome position (GRCh38, 1-based): chr11:108,229,309, A>G. VCF-style: chr11-108229309-A-G. GRCh37 (hg19) VCF-style: chr11-108100036-A-G.
Other names: c.317A>G, p.Lys106Arg (NM_001351834.2, NM_001351835.2, NM_001351836.2); short protein forms K106R.
Identifiers: ClinVar variation 236700 (VCV000236700.6), dbSNP rs878853501, ClinGen allele CA10582785.